The following is an entry in ClinVar:

ClinVar aggregate classification (germline): Uncertain significance (1 of 4 stars; one submission).

Conditions:
Early-infantile DEE. Also called: Early infantile epileptic encephalopathy; Early infantile epileptic encephalopathy with suppression bursts; Ohtahara syndrome. Identifiers: Orphanet 1934, MedGen C0393706, MONDO:0800491.

Submission:

Labcorp Genetics (formerly Invitae), Labcorp
Classification: Uncertain significance for Early-infantile DEE. Last evaluated: 2024-02-05. Review status: criteria provided, single submitter. Criteria: Invitae Variant Classification Sherloc (09022015). Collection method: clinical testing. Allele origin: germline.
Comment: This sequence change replaces alanine, which is neutral and non-polar, with threonine, which is neutral and polar, at codon 1015 of the SCN1A protein (p.Ala1015Thr). This variant is not present in population databases (gnomAD no frequency). This variant has not been reported in the literature in individuals affected with SCN1A-related conditions. Advanced modeling of protein sequence and biophysical properties (such as structural, functional, and spatial information, amino acid conservation, physicochemical variation, residue mobility, and thermodynamic stability) performed at Invitae indicates that this missense variant is expected to disrupt SCN1A protein function with a positive predictive value of 95%. In summary, the available evidence is currently insufficient to determine the role of this variant in disease. Therefore, it has been classified as a Variant of Uncertain Significance.

NM_001165963.4(SCN1A):c.3043G>A (p.Ala1015Thr)

Gene: SCN1A (sodium voltage-gated channel alpha subunit 1; minus strand). Cytogenetic location: 2q24.3.
Variant type: single nucleotide variant.
Coding change: c.3043G>A on transcript NM_001165963.4 (MANE Select); coding-DNA position 3043, G replaced by A.
Protein change: p.Ala1015Thr; replaces alanine 1015 with threonine.
Molecular consequence: missense variant. On other transcripts: non-coding transcript variant (1).
Genome position (GRCh38, 1-based): chr2:166,036,434, C>T on the plus strand (G>A on the coding strand, the complement: SCN1A is on the minus strand). VCF-style: chr2-166036434-C-T. GRCh37 (hg19) VCF-style: chr2-166892944-C-T.
Other names: c.3010G>A, p.Ala1004Thr (NM_001353952.2, NM_006920.6, NM_001353949.2 and 2 more transcripts); c.3007G>A, p.Ala1003Thr (NM_001353954.2, NM_001353955.2); c.2959G>A, p.Ala987Thr (NM_001353957.2, NM_001353958.2, NM_001165964.3); c.2956G>A, p.Ala986Thr (NM_001353960.2); c.601G>A, p.Ala201Thr (NM_001353961.2); c.3043G>A, p.Ala1015Thr (NM_001202435.3, NM_001353948.2); short protein forms A1003T, A1015T, A1004T, A987T, A201T, A986T.
Identifiers: ClinVar variation 2810635 (VCV002810635.3), dbSNP rs2468080487, ClinGen allele CA349060265.
Genomic context (GRCh38, chr2:166,036,434, plus strand): 5'-GAATAAATTCATATATTTTTCTTTTCACATAAGCTACTCCTTTGTGCATCCTATCCACAG[C>T]AATTTGGAGATTATTCATTTCATTATCATCATCAGTGGCTGCAAGGTTGTCTGCACTAAA-3'
Protein context (NP_001159435.1, residues 1005-1025): DDNEMNNLQI[Ala1015Thr]VDRMHKGVAY